The following is an entry in ClinVar:

NM_001374353.1(GLI2):c.3905A>G (p.Gln1302Arg)

Gene: GLI2 (GLI family zinc finger 2; plus strand). Cytogenetic location: 2q14.2.
Variant type: single nucleotide variant.
Coding change: c.3905A>G on transcript NM_001374353.1 (MANE Select); coding-DNA position 3905, A replaced by G.
Protein change: p.Gln1302Arg; replaces glutamine 1302 with arginine.
Molecular consequence: missense variant.
Genome position (GRCh38, 1-based): chr2:120,989,870, A>G. VCF-style: chr2-120989870-A-G. GRCh37 (hg19) VCF-style: chr2-121747446-A-G.
Other names: c.3956A>G, p.Gln1319Arg (NM_001371271.1, NM_005270.5); c.3530A>G, p.Gln1177Arg (NM_001374354.1); short protein forms Q1177R, Q1319R, Q1302R.
Identifiers: ClinVar variation 2934452 (VCV002934452.3), dbSNP rs1259184973, ClinGen allele CA348176630.

ClinVar aggregate classification (germline): Uncertain significance (1 of 4 stars; one submission).

Conditions:
Postaxial polydactyly-anterior pituitary anomalies-facial dysmorphism syndrome. Also called: Culler-Jones syndrome. Identifiers: Orphanet 420584, MedGen C4014479, MONDO:0014369, OMIM 615849.
Holoprosencephaly 9 (HPE9). Also called: PITUITARY ANOMALIES WITH HOLOPROSENCEPHALY-LIKE FEATURES; HOLOPROSENCEPHALY WITH MICROPHTHALMIA AND FIRST BRANCHIAL ARCH ANOMALIES. Identifiers: Orphanet 2162, MedGen C1835819, MONDO:0012563, OMIM 610829.

Allele frequency attached by ClinVar (database versions not stated): gnomAD exomes below 0.00001.
gnomAD v4.1: 1 of 1,613,078 alleles (0.000062%); highest among the groups gnomAD compares: Admixed American, 0.0017%; no homozygotes.

Submission:

Labcorp Genetics (formerly Invitae), Labcorp
Classification: Uncertain significance for Postaxial polydactyly-anterior pituitary anomalies-facial dysmorphism syndrome; Holoprosencephaly 9. Last evaluated: 2025-12-15. Review status: criteria provided, single submitter. Criteria: Invitae Variant Classification Sherloc (09022015). Collection method: clinical testing. Allele origin: germline.
Comment: This sequence change replaces glutamine, which is neutral and polar, with arginine, which is basic and polar, at codon 1319 of the GLI2 protein (p.Gln1319Arg). The frequency data for this variant in the population databases is considered unreliable, as metrics indicate poor data quality at this position in the gnomAD database. This variant has not been reported in the literature in individuals affected with GLI2-related conditions. ClinVar contains an entry for this variant (Variation ID: 2934452). Invitae Evidence Modeling of protein sequence and biophysical properties (such as structural, functional, and spatial information, amino acid conservation, physicochemical variation, residue mobility, and thermodynamic stability) indicates that this missense variant is not expected to disrupt GLI2 protein function with a negative predictive value of 80%. In summary, the available evidence is currently insufficient to determine the role of this variant in disease. Therefore, it has been classified as a Variant of Uncertain Significance.